The following is an entry in ClinVar:

ClinVar aggregate classification (germline): Uncertain significance (1 of 4 stars; one submission).

Conditions:
Tessadori-van Haaften neurodevelopmental syndrome 2 (TEBIVANED2). Identifiers: MedGen C5676923, MONDO:0030730, OMIM 619759.

Submission:

MVZ Medizinische Genetik Mainz
Classification: Uncertain significance for Tessadori-van Haaften neurodevelopmental syndrome 2. Last evaluated: 2023-12-22. Review status: criteria provided, single submitter. Criteria: UK Practice Guidelines For Variant Classification V4 01 2020. Collection method: clinical testing. Allele origin: germline. Inheritance: Autosomal dominant inheritance. Affected: yes. Observed: 1 variant allele.
Comment: ACMG Criteria: PM1,PM2_SUP,PP3

NM_021968.4(H4C11):c.284G>A (p.Gly95Asp)

Gene: H4C11 (H4 clustered histone 11; plus strand). Cytogenetic location: 6p22.1.
Variant type: single nucleotide variant.
Coding change: c.284G>A on transcript NM_021968.4 (MANE Select); coding-DNA position 284, G replaced by A.
Protein change: p.Gly95Asp; replaces glycine 95 with aspartic acid.
Molecular consequence: missense variant.
Genome position (GRCh38, 1-based): chr6:27,824,408, G>A. VCF-style: chr6-27824408-G-A. GRCh37 (hg19) VCF-style: chr6-27792186-G-A.
Other names: short protein forms G95D.
Identifiers: ClinVar variation 3236106 (VCV003236106.1), dbSNP rs2481041705, ClinGen allele CA362882249.